The following is an entry in ClinVar:

NM_007194.4(CHEK2):c.259G>A (p.Glu87Lys)

Gene: CHEK2 (checkpoint kinase 2; minus strand). Cytogenetic location: 22q12.1.
Variant type: single nucleotide variant.
Coding change: c.259G>A on transcript NM_007194.4 (MANE Select); coding-DNA position 259, G replaced by A.
Protein change: p.Glu87Lys; replaces glutamic acid 87 with lysine.
Molecular consequence: missense variant.
Genome position (GRCh38, 1-based): chr22:28,734,463, C>T on the plus strand (G>A on the coding strand, the complement: CHEK2 is on the minus strand). VCF-style: chr22-28734463-C-T. GRCh37 (hg19) VCF-style: chr22-29130451-C-T.
Other names: c.259G>A, p.Glu87Lys (NM_001005735.3, NM_001349956.3, NM_145862.3); c.-519G>A (NM_001257387.3); short protein forms E87K.
Identifiers: ClinVar variation 1793620 (VCV001793620.6), dbSNP rs2146145647, ClinGen allele CA411090533.

ClinVar aggregate classification (germline): Uncertain significance. Review status: criteria provided, multiple submitters, no conflicts (2 of 4 stars). 2 submissions from 2 submitters: Uncertain significance (2). Last evaluated 2024-12-20.

Conditions:
Hereditary cancer-predisposing syndrome. Also called: Tumor predisposition; Hereditary Cancer Syndrome; Neoplastic Syndromes, Hereditary; Hereditary neoplastic syndrome. Identifiers: Orphanet 140162, MedGen C0027672, MeSH D009386, MONDO:0015356.
Familial cancer of breast. Also called: Hereditary breast cancer; BREAST CANCER, FAMILIAL; hereditary breast carcinoma. Identifiers: Orphanet 227535, MedGen C0346153, MONDO:0016419, OMIM 114480. Disease mechanism: loss of function.

Submissions (2):

Ambry Genetics
Classification: Uncertain significance for Hereditary cancer-predisposing syndrome. Last evaluated: 2024-12-20. Review status: criteria provided, single submitter. Criteria: Ambry Variant Classification Scheme 2023. Collection method: clinical testing. Allele origin: germline.
Comment: The p.E87K variant (also known as c.259G>A), located in coding exon 1 of the CHEK2 gene, results from a G to A substitution at nucleotide position 259. The glutamic acid at codon 87 is replaced by lysine, an amino acid with similar properties. This amino acid position is conserved on limited sequence alignment. In addition, the in silico prediction for this alteration is inconclusive. Based on the available evidence, the clinical significance of this variant remains unclear.

Labcorp Genetics (formerly Invitae), Labcorp
Classification: Uncertain significance for Familial cancer of breast. Last evaluated: 2023-04-14. Review status: criteria provided, single submitter. Criteria: Invitae Variant Classification Sherloc (09022015). Collection method: clinical testing. Allele origin: germline.
Comment: An algorithm developed to predict the effect of missense changes on protein structure and function (PolyPhen-2) suggests that this variant is likely to be disruptive. In summary, the available evidence is currently insufficient to determine the role of this variant in disease. Therefore, it has been classified as a Variant of Uncertain Significance. ClinVar contains an entry for this variant (Variation ID: 1793620). This variant has not been reported in the literature in individuals affected with CHEK2-related conditions. This variant is not present in population databases (gnomAD no frequency). This sequence change replaces glutamic acid, which is acidic and polar, with lysine, which is basic and polar, at codon 87 of the CHEK2 protein (p.Glu87Lys).